The following is an entry in ClinVar:

ClinVar aggregate classification (germline): Uncertain significance (1 of 4 stars; one submission).

Submission:

GeneDx
Classification: Uncertain significance. Last evaluated: 2019-06-05. Review status: criteria provided, single submitter. Criteria: GeneDx Variant Classification Process June 2021. Collection method: clinical testing. Allele origin: germline. Affected: yes.
Comment: Not observed in large population cohorts (Lek et al., 2016); In-frame deletion of 1 amino acid in a non-repeat region; In silico analysis, which includes protein predictors and evolutionary conservation, supports a deleterious effect; Has not been previously published as pathogenic or benign to our knowledge

NM_001110556.2(FLNA):c.6317_6319del (p.Tyr2106del)

Gene: FLNA (filamin A; minus strand). Cytogenetic location: Xq28.
Variant type: Deletion.
Coding change: c.6317_6319del on transcript NM_001110556.2 (MANE Select); coding-DNA positions 6317 to 6319, 3 bases deleted (ACT; older notation c.6317_6319delACT).
Protein change: p.Tyr2106del; deletes tyrosine 2106.
Molecular consequence: inframe deletion.
Genome position (GRCh38, 1-based): chrX:154,352,832-154,352,834, AGT deleted on the plus strand (ACT on the coding strand, the reverse complement: FLNA is on the minus strand); deleting any 3 consecutive bases within chrX:154,352,832-154,352,836 gives the same sequence; the c. name uses the placement nearest the transcript's 3' end. VCF-style (leftmost placement, unchanged base first): chrX-154352831-CAGT-C. GRCh37 (hg19) VCF-style: chrX-153581199-CAGT-C.
Other names: c.6293_6295del, p.Tyr2098del (NM_001456.4); short protein forms Y2098del, Y2106del.
Identifiers: ClinVar variation 1306252 (VCV001306252.2), dbSNP rs2148104645, ClinGen allele CA2573055159.
Genomic context (GRCh38, chrX:154,352,831, plus strand): 5'-CCAGGCACGTGCTGGTCGGCAAACTTGATGTTGATGATGTAGTTGCCTGGCTCTGTGGGG[CAGT>C]AGGTGACCCTGCACGTCCCGTCCTCCAGGTCCTCTGTGTTGATGTCCACCTTGCTGGGGC-3'